The following is an entry in ClinVar:

ClinVar aggregate classification (germline): Uncertain significance (1 of 4 stars; one submission).

Allele frequency attached by ClinVar (database versions not stated): ESP Exome Variant Server 0.00015.
gnomAD v4.1: 42 of 1,613,902 alleles (0.0026%); highest among the groups gnomAD compares: Admixed American, 0.015%; no homozygotes.

Submission:

Labcorp Genetics (formerly Invitae), Labcorp
Classification: Uncertain significance. Last evaluated: 2025-11-24. Review status: criteria provided, single submitter. Criteria: Invitae Variant Classification Sherloc (09022015). Collection method: clinical testing. Allele origin: germline.
Comment: This sequence change replaces proline, which is neutral and non-polar, with alanine, which is neutral and non-polar, at codon 149 of the GRM1 protein (p.Pro149Ala). This variant is present in population databases (rs201784351, gnomAD 0.03%). This variant has not been reported in the literature in individuals affected with GRM1-related conditions. ClinVar contains an entry for this variant (Variation ID: 2145635). An algorithm developed to predict the effect of missense changes on protein structure and function (PolyPhen-2) suggests that this variant is likely to be tolerated. In summary, the available evidence is currently insufficient to determine the role of this variant in disease. Therefore, it has been classified as a Variant of Uncertain Significance.

NM_001278064.2(GRM1):c.445C>G (p.Pro149Ala)

Gene: GRM1 (glutamate metabotropic receptor 1; plus strand). Cytogenetic location: 6q24.3.
Variant type: single nucleotide variant.
Coding change: c.445C>G on transcript NM_001278064.2 (MANE Select); coding-DNA position 445, C replaced by G.
Protein change: p.Pro149Ala; replaces proline 149 with alanine.
Molecular consequence: missense variant.
Genome position (GRCh38, 1-based): chr6:146,029,962, C>G. VCF-style: chr6-146029962-C-G. GRCh37 (hg19) VCF-style: chr6-146351098-C-G.
Other names: c.445C>G, p.Pro149Ala (NM_001278065.2, NM_001278066.1, NM_001278067.1); short protein forms P149A.
Identifiers: ClinVar variation 2145635 (VCV002145635.4), dbSNP rs201784351, ClinGen allele CA4037062.